The following is an entry in ClinVar:

ClinVar aggregate classification (germline): Conflicting classifications of pathogenicity. Review status: criteria provided, conflicting classifications (1 of 4 stars). 2 submissions from 2 submitters: Uncertain significance (1); Likely benign (1). Last evaluated 2025-01-23.

Conditions:
Inborn genetic diseases. Identifiers: MedGen C0950123, MeSH D030342.
Tip-toe gait. Also called: Toe walking. Identifiers: MedGen C0427144, HP:0030051.

Allele frequency attached by ClinVar (database versions not stated): gnomAD 0.00001; gnomAD exomes 0.00001; TOPMed 0.00001.
gnomAD v4.1: 16 of 1,613,738 alleles (0.00099%); highest among the groups gnomAD compares: Middle Eastern, 0.016%; no homozygotes.

Submissions (2):

Ambry Genetics
Classification: Likely benign for Inborn genetic diseases. Last evaluated: 2025-01-23. Review status: criteria provided, single submitter. Criteria: Ambry Variant Classification Scheme 2023. Collection method: clinical testing. Allele origin: germline.

Practice for Gait Abnormalities, David Pomarino, Competency Network Toe Walking C/o Practice Pomarino
Classification: Uncertain significance for Tip-toe gait. Last evaluated: 2021-04-14. Review status: criteria provided, single submitter. Criteria: ACMG Guidelines, 2015. Collection method: clinical testing. Allele origin: maternal, unknown. Affected: yes.
Comment: The heterozygous variant c.2429G> A p. (Arg810Gln) was detected in the ZFYVE26 gene, which has not yet been recorded in the NCBI database and the mutation databases ClinVar and HGMD. With regard to their physicochemical properties, the amino acids arginine and glutamine differ from one another, but the two models HumDiv and HumVar of the Polyphen2 prediction program calculate this variant with the highest score as "benign". This prognosis is supported by the fact that the amino acid Arg810 is NOT conserved across species, whereby different amino acids at this protein position can be exchanged. Furthermore, no functional domain of the zinc finger protein is affected by this variant. Based on these facts, a clinically relevant meaning is not likely. Since there are no clinical data, the variant must currently be referred to as VUS. Hereditary motor sensory neuropathy (HMSN), also known as Charcot-Marie-Tooth Disease (CMT), is the most commonly inherited peripheral polyneuropathy. It constitutes a group of inherited, progressive, motor and sensory peripheral nerve disorders with properties of demyelination, axonal degeneration, or both. It is classified by clinical characteristics, modes of inheritance, electrophysiologic features, metabolic defects, and specific gene markers. Our patients all walk on tiptoe, so they show similar symptoms. When we genetically test them with our toe walking panel, we find that around 90 per cent of them have a genetic variant that explains their toe walking. These can be assigned, for example, to the area of myopathies (such as variants of the COL6A3 gene), the area of hereditary neuropathies (such as variants of the KMT2C gene) or the area of metabolic diseases (such as variants of the PYGM gene). In a smaller group of patients with almost identical symptoms, no abnormality is found in the genes of our panel, but spastic paraplegia can be detected. In another small group of our toe walkers, no abnormalities can be detected in the genes analysed in our toe walking panel, nor do they suffer from spastic paraplegia, as is also the case with healthy children. In contrast to these, however, they show a tiptoe gait. These patients suffer from infantile cerebral palsy, in which toe walking can also be observed.

Literature cited by the submitters: PubMed 37091313 (cited by Practice for Gait Abnormalities, David Pomarino, Competency Network Toe Walking C/o Practice Pomarino).

NM_015346.4(ZFYVE26):c.2429G>A (p.Arg810Gln)

Gene: ZFYVE26 (zinc finger FYVE-type containing 26; minus strand). Cytogenetic location: 14q24.1.
Variant type: single nucleotide variant.
Coding change: c.2429G>A on transcript NM_015346.4 (MANE Select); coding-DNA position 2429, G replaced by A.
Protein change: p.Arg810Gln; replaces arginine 810 with glutamine.
Molecular consequence: missense variant.
Genome position (GRCh38, 1-based): chr14:67,793,732, C>T on the plus strand (G>A on the coding strand, the complement: ZFYVE26 is on the minus strand). VCF-style: chr14-67793732-C-T. GRCh37 (hg19) VCF-style: chr14-68260449-C-T.
Other names: c.2429G>A (NM_015346.3); short protein forms R810Q.
Identifiers: ClinVar variation 1119994 (VCV001119994.4), dbSNP rs1395832064, ClinGen allele CA390174458.